The following is an entry in ClinVar:

ClinVar aggregate classification (germline): Conflicting classifications of pathogenicity. Review status: criteria provided, conflicting classifications (1 of 4 stars). 6 submissions from 6 submitters: Uncertain significance (5); Benign (1). Last evaluated 2026-01-27.

Conditions:
Cardiovascular phenotype. Identifiers: MedGen CN230736.
Hereditary cancer-predisposing syndrome. Also called: Tumor predisposition; Neoplastic Syndromes, Hereditary; Hereditary Cancer Syndrome; Hereditary neoplastic syndrome. Identifiers: Orphanet 140162, MedGen C0027672, MeSH D009386, MONDO:0015356.
Neurofibromatosis, type 1 (NF1). Also called: Neurofibromatosis, type I; Peripheral type neurofibromatosis; NEUROFIBROMATOSIS, TYPE I, SOMATIC; VON RECKLINGHAUSEN DISEASE. Identifiers: Orphanet 636, MedGen C0027831, MONDO:0018975, OMIM 162200. Disease mechanism: loss of function.

Allele frequency attached by ClinVar (database versions not stated): gnomAD exomes below 0.00001.
gnomAD v4.1: 5 of 1,613,048 alleles (0.00031%); no homozygotes.

Submissions (6):

Institute for Biomarker Research, Medical Diagnostic Laboratories, L.L.C.
Classification: Uncertain significance for Hereditary cancer-predisposing syndrome. Last evaluated: 2026-01-27. Review status: criteria provided, single submitter. Criteria: ACMG Guidelines, 2015. Collection method: clinical testing. Allele origin: germline.
Comment: The missense variant NM_000267.3(NF1):c.7363T>C (p.Tyr2455His) has not been reported previously as a pathogenic variant nor as a benign variant, to our knowledge (Accession: VCV000221093.50). T There is a moderate physicochemical difference between tyrosine and histidine. The gene NF1 has a low rate of benign missense variation as indicated by a high missense variants Z-Score of 8.41. The p.Tyr2455His missense variant is predicted to be damaging by both SIFT and PolyPhen2. The tyrosine residue at codon 2455 of NF1 is conserved in all mammalian species. The nucleotide c.7363 in NF1 is predicted conserved by GERP++ and PhyloP across 100 vertebrates. For these reasons, this variant has been classified as Uncertain Significance.

Labcorp Genetics (formerly Invitae), Labcorp
Classification: Benign for Neurofibromatosis, type 1. Last evaluated: 2025-12-20. Review status: criteria provided, single submitter. Criteria: Invitae Variant Classification Sherloc (09022015). Collection method: clinical testing. Allele origin: germline.

Ambry Genetics
Classification: Uncertain significance for Cardiovascular phenotype; Hereditary cancer-predisposing syndrome. Last evaluated: 2024-01-18. Review status: criteria provided, single submitter. Criteria: Ambry Variant Classification Scheme 2023. Collection method: clinical testing. Allele origin: germline.
Comment: The p.Y2455H variant (also known as c.7363T>C), located in coding exon 49 of the NF1 gene, results from a T to C substitution at nucleotide position 7363. The tyrosine at codon 2455 is replaced by histidine, an amino acid with similar properties. This amino acid position is highly conserved in available vertebrate species. In addition, the in silico prediction for this alteration is inconclusive. Since supporting evidence is limited at this time, the clinical significance of this alteration remains unclear.

Blueprint Genetics
Classification: Uncertain significance. Last evaluated: 2023-06-19. Review status: criteria provided, single submitter. Criteria: ACMG Guidelines, 2015. Collection method: clinical testing. Allele origin: germline.

Genome-Nilou Lab
Classification: Uncertain significance for Neurofibromatosis, type 1. Last evaluated: 2022-03-15. Review status: criteria provided, single submitter. Criteria: ACMG Guidelines, 2015. Collection method: clinical testing. Allele origin: germline. Affected: no.

GeneDx
Classification: Uncertain significance. Last evaluated: 2018-05-02. Review status: criteria provided, single submitter. Criteria: GeneDx Variant Classification (06012015). Collection method: clinical testing. Allele origin: germline. Affected: yes.
Comment: This variant is denoted NF1 c.7363T>C at the cDNA level, p.Tyr2455His (Y2455H) at the protein level, and results in the change of a Tyrosine to a Histidine (TAT>CAT). This variant has not, to our knowledge, been published in the literature as pathogenic or benign. NF1 Tyr2455His was observed at an allele frequency of 0.01% in individuals of Ashkenazi Jewish ancestry in large population cohorts (Lek 2016). This variant is located in the C-terminal domain (Luo 2014). In silico analysis, which includes protein predictors and evolutionary conservation, supports that this variant does not alter protein structure/function. Based on currently available evidence, it is unclear whether NF1 Tyr2455His is a pathogenic or benign variant. We consider it to be a variant of uncertain significance.

NM_001042492.3(NF1):c.7426T>C (p.Tyr2476His)

Gene: NF1 (neurofibromin 1; plus strand). Cytogenetic location: 17q11.2.
Variant type: single nucleotide variant.
Coding change: c.7426T>C on transcript NM_001042492.3 (MANE Select); coding-DNA position 7426, T replaced by C.
Protein change: p.Tyr2476His; replaces tyrosine 2476 with histidine.
Molecular consequence: missense variant.
Genome position (GRCh38, 1-based): chr17:31,350,287, T>C. VCF-style: chr17-31350287-T-C. GRCh37 (hg19) VCF-style: chr17-29677305-T-C.
Other names: c.7363T>C, p.Tyr2455His (NM_000267.4); short protein forms Y2476H, Y2455H.
Identifiers: ClinVar variation 221093 (VCV000221093.53), dbSNP rs864622745, ClinGen allele CA348413.
Genomic context (GRCh38, chr17:31,350,287, plus strand): 5'-AAACATAGAAAGTCACTTCTTCTTACTGATATTTCAATGGAAAATGTTCCTATGGATACA[T>C]ATCCCATTCATCATGGTGACCCTTCCTATAGGTAAGTGGATTTACTCTCCTATAATTACA-3'
Protein context (NP_001035957.1, residues 2466-2486): ISMENVPMDT[Tyr2476His]PIHHGDPSYR